The following is an entry in ClinVar:

ClinVar aggregate classification (germline): Uncertain significance (1 of 4 stars; one submission).

Allele frequency attached by ClinVar (database versions not stated): gnomAD exomes below 0.00001; ExAC 0.00001; TOPMed 0.00002.
gnomAD v4.1: 1 of 1,614,146 alleles (0.000062%); highest among the groups gnomAD compares: Admixed American, 0.0017%; no homozygotes.

Submission:

Labcorp Genetics (formerly Invitae), Labcorp
Classification: Uncertain significance. Last evaluated: 2021-11-16. Review status: criteria provided, single submitter. Criteria: Invitae Variant Classification Sherloc (09022015). Collection method: clinical testing. Allele origin: germline.
Comment: In summary, the available evidence is currently insufficient to determine the role of this variant in disease. Therefore, it has been classified as a Variant of Uncertain Significance. Algorithms developed to predict the effect of missense changes on protein structure and function are either unavailable or do not agree on the potential impact of this missense change (SIFT: "Deleterious"; PolyPhen-2: "Probably Damaging"; Align-GVGD: "Class C15"). This variant has not been reported in the literature in individuals affected with PIGV-related conditions. This variant is present in population databases (rs771869741, gnomAD 0.003%). This sequence change replaces aspartic acid, which is acidic and polar, with glycine, which is neutral and non-polar, at codon 53 of the PIGV protein (p.Asp53Gly).

NM_017837.4(PIGV):c.158A>G (p.Asp53Gly)

Gene: PIGV (phosphatidylinositol glycan anchor biosynthesis class V; plus strand). Cytogenetic location: 1p36.11.
Variant type: single nucleotide variant.
Coding change: c.158A>G on transcript NM_017837.4 (MANE Select); coding-DNA position 158, A replaced by G.
Protein change: p.Asp53Gly; replaces aspartic acid 53 with glycine.
Molecular consequence: missense variant. On other transcripts: 5 prime UTR variant (1), non-coding transcript variant (2), intron variant (1).
Genome position (GRCh38, 1-based): chr1:26,794,192, A>G. VCF-style: chr1-26794192-A-G. GRCh37 (hg19) VCF-style: chr1-27120683-A-G.
Other names: c.158A>G, p.Asp53Gly (NM_001202554.2, NM_001374478.1, NM_001374480.1 and 4 more transcripts); c.-224A>G (NM_001374483.1); c.78+3299A>G (NM_001374486.1); short protein forms D53G.
Identifiers: ClinVar variation 1375446 (VCV001375446.4), dbSNP rs771869741, ClinGen allele CA708008.